The following is an entry in ClinVar:

NM_004655.4(AXIN2):c.650G>T (p.Ser217Ile)

Gene: AXIN2 (axin 2; minus strand). Cytogenetic location: 17q24.1.
Variant type: single nucleotide variant.
Coding change: c.650G>T on transcript NM_004655.4 (MANE Select); coding-DNA position 650, G replaced by T.
Protein change: p.Ser217Ile; replaces serine 217 with isoleucine.
Molecular consequence: missense variant.
Genome position (GRCh38, 1-based): chr17:65,557,971, C>A on the plus strand (G>T on the coding strand, the complement: AXIN2 is on the minus strand). VCF-style: chr17-65557971-C-A. GRCh37 (hg19) VCF-style: chr17-63554089-C-A.
Other names: c.650G>T, p.Ser217Ile (NM_001363813.1); short protein forms S217I.
Identifiers: ClinVar variation 2103468 (VCV002103468.4), dbSNP rs2144583537, ClinGen allele CA400680568.

ClinVar aggregate classification (germline): Uncertain significance (1 of 4 stars; one submission).

Conditions:
Oligodontia-cancer predisposition syndrome. Also called: TOOTH AGENESIS-COLORECTAL CANCER SYNDROME. Identifiers: Orphanet 300576, MedGen C1837750, MONDO:0012075, OMIM 608615. Disease mechanism: loss of function.

Submission:

Labcorp Genetics (formerly Invitae), Labcorp
Classification: Uncertain significance for Oligodontia-cancer predisposition syndrome. Last evaluated: 2025-03-09. Review status: criteria provided, single submitter. Criteria: Invitae Variant Classification Sherloc (09022015). Collection method: clinical testing. Allele origin: germline.
Comment: This sequence change replaces serine, which is neutral and polar, with isoleucine, which is neutral and non-polar, at codon 217 of the AXIN2 protein (p.Ser217Ile). This variant is not present in population databases (gnomAD no frequency). This variant has not been reported in the literature in individuals affected with AXIN2-related conditions. ClinVar contains an entry for this variant (Variation ID: 2103468). Invitae Evidence Modeling of protein sequence and biophysical properties (such as structural, functional, and spatial information, amino acid conservation, physicochemical variation, residue mobility, and thermodynamic stability) indicates that this missense variant is not expected to disrupt AXIN2 protein function with a negative predictive value of 80%. In summary, the available evidence is currently insufficient to determine the role of this variant in disease. Therefore, it has been classified as a Variant of Uncertain Significance.